The following is an entry in ClinVar:

NM_014991.6(WDFY3):c.749A>G (p.Asn250Ser)

Gene: WDFY3 (WD repeat and FYVE domain containing 3; minus strand). Cytogenetic location: 4q21.23.
Variant type: single nucleotide variant.
Coding change: c.749A>G on transcript NM_014991.6 (MANE Select); coding-DNA position 749, A replaced by G.
Protein change: p.Asn250Ser; replaces asparagine 250 with serine.
Molecular consequence: missense variant.
Genome position (GRCh38, 1-based): chr4:84,831,433, T>C on the plus strand (A>G on the coding strand, the complement: WDFY3 is on the minus strand). VCF-style: chr4-84831433-T-C. GRCh37 (hg19) VCF-style: chr4-85752586-T-C.
Other names: short protein forms N250S.
Identifiers: ClinVar variation 976391 (VCV000976391.4), dbSNP rs1353660689, ClinGen allele CA357541357.
Genomic context (GRCh38, chr4:84,831,433, plus strand): 5'-AAGAAATTTAGAACACTTAAATATATAAAGAGATATTCACCATGAATATACTTCACTACA[T>C]TGACACTAAGACCATGACGAGATATGGTCATGAGGACTTCTCCAGCACTCTTTCTCCAAG-3'
Protein context (NP_055806.2, residues 240-260): MTISRHGLSV[Asn250Ser]VVKYIHEKEC

ClinVar aggregate classification (germline): Likely pathogenic. Review status: criteria provided, multiple submitters, no conflicts (2 of 4 stars). 2 submissions from 2 submitters: Likely pathogenic (2). Last evaluated 2024-10-17.

Conditions:
Neurodevelopmental delay. Identifiers: MedGen C4022738, HP:0012758.

Submissions (2):

GeneDx
Classification: Likely pathogenic. Last evaluated: 2024-10-17. Review status: criteria provided, single submitter. Criteria: GeneDx Variant Classification Process June 2021. Collection method: clinical testing. Allele origin: germline.
Comment: Not observed at significant frequency in large population cohorts (gnomAD); In silico analysis indicates that this missense variant does not alter protein structure/function; This variant is associated with the following publications: (PMID: 31327001, 36672771)

Institute of Human Genetics, University of Leipzig Medical Center
Classification: Likely pathogenic for Neurodevelopmental delay. Last evaluated: 2019-07-20. Review status: criteria provided, single submitter. Criteria: ACMG Guidelines, 2015. Collection method: clinical testing. Allele origin: de novo. Affected: yes.

Literature cited by the submitters: PubMed 31327001 (cited by Institute of Human Genetics, University of Leipzig Medical Center).